The following is an entry in ClinVar:

ClinVar aggregate classification (germline): Uncertain significance (1 of 4 stars; one submission).

gnomAD v4.1: 2 of 1,611,696 alleles (0.00012%); highest among the groups gnomAD compares: East Asian, 0.0045%; no homozygotes.

Submission:

GeneDx
Classification: Uncertain significance. Last evaluated: 2024-03-18. Review status: criteria provided, single submitter. Criteria: GeneDx Variant Classification Process June 2021. Collection method: clinical testing. Allele origin: germline. Affected: yes.
Comment: Not observed at significant frequency in large population cohorts (gnomAD); In silico analysis supports that this missense variant does not alter protein structure/function; Has not been previously published as pathogenic or benign to our knowledge; Reported using an alternate transcript of the gene

NM_080425.4(GNAS):c.849C>A (p.Ser283Arg)

Gene: GNAS (GNAS complex locus; plus strand). Cytogenetic location: 20q13.32.
Variant type: single nucleotide variant.
Coding change: c.849C>A on transcript NM_080425.4 (MANE Plus Clinical); coding-DNA position 849, C replaced by A.
Protein change: p.Ser283Arg; replaces serine 283 with arginine.
Molecular consequence: missense variant. On other transcripts: intron variant (3).
Genome position (GRCh38, 1-based): chr20:58,854,114, C>A. VCF-style: chr20-58854114-C-A. GRCh37 (hg19) VCF-style: chr20-57429169-C-A.
Other names: c.*42+13228C>A (NM_016592.5); c.43+13228C>A (NM_001410912.1); c.-39+12239C>A (NM_001309861.2); c.662C>A, p.Ala221Asp (NM_001077490.3, NM_001309883.1); c.849C>A, p.Ser283Arg (NM_001410913.1); short protein forms A221D, S283R.
Identifiers: ClinVar variation 3370958 (VCV003370958.1).
Genomic context (GRCh38, chr20:58,854,114, plus strand): 5'-GGTCCGCCTCACTCCCGCCGCGAACGCGCCTCCCCTCTGGGTCCCAGGCGCCATCGGCAG[C>A]CCATCCCAAGAGGCTGTCAGACCTCCTTCTAACTTCACGGGCAGCAGCCCCTGGATGGAG-3'
Protein context (NP_536350.2, residues 273-293): PPLWVPGAIG[Ser283Arg]PSQEAVRPPS